The following is an entry in ClinVar:

ClinVar aggregate classification (germline): Benign/Likely benign. Review status: criteria provided, multiple submitters, no conflicts (2 of 4 stars). 3 submissions from 3 submitters: Benign (1); Likely benign (2). Last evaluated 2026-02-02.

Conditions:
Iodotyrosyl coupling defect (TDH3). Also called: HYPOTHYROIDISM, CONGENITAL, DUE TO DYSHORMONOGENESIS, 3; THYROID HORMONOGENESIS, GENETIC DEFECT IN, 3. Identifiers: Orphanet 95716, MedGen C0342194, MONDO:0010135, OMIM 274700.

Allele frequency attached by ClinVar (database versions not stated): gnomAD exomes 0.00228 and 0.00635; ExAC 0.00807; gnomAD 0.02482 and 0.02641; TOPMed 0.02756; 1000 Genomes Project 0.02796; ESP Exome Variant Server 0.02960; 1000 Genomes Project 30x 0.03029.
gnomAD v4.1: 7,273 of 1,614,110 alleles (0.45%); highest among the groups gnomAD compares: African/African-American, 8.5%; 288 homozygotes.

Submissions (3):

Labcorp Genetics (formerly Invitae), Labcorp
Classification: Benign. Last evaluated: 2026-02-02. Review status: criteria provided, single submitter. Criteria: Invitae Variant Classification Sherloc (09022015). Collection method: clinical testing. Allele origin: germline.

Illumina Laboratory Services, Illumina
Classification: Likely benign for Iodotyrosyl coupling defect. Last evaluated: 2018-01-13. Review status: criteria provided, single submitter. Criteria: ICSL Variant Classification Criteria 13 December 2019. Collection method: clinical testing. Allele origin: germline.
Comment: This variant was observed in the ICSL laboratory as part of a predisposition screen in an ostensibly healthy population. It had not been previously curated by ICSL or reported in the Human Gene Mutation Database (HGMD: prior to June 1st, 2018), and was therefore a candidate for classification through an automated scoring system. Utilizing variant allele frequency, disease prevalence and penetrance estimates, and inheritance mode, an automated score was calculated to assess if this variant is too frequent to cause the disease. Based on the score and internal cut-off values, a variant classified as likely benign is not then subjected to further curation. The score for this variant resulted in a classification of likely benign for this disease.

Breakthrough Genomics
Classification: Likely benign. Review status: criteria provided, single submitter. Criteria: ACMG Guidelines, 2015. Collection method: not provided. Allele origin: germline. Inheritance: Autosomal recessive inheritance. Affected: yes.

NM_003235.5(TG):c.5186A>C (p.Asp1729Ala)

Gene: TG (thyroglobulin; plus strand). Cytogenetic location: 8q24.22.
Variant type: single nucleotide variant.
Coding change: c.5186A>C on transcript NM_003235.5 (MANE Select); coding-DNA position 5186, A replaced by C.
Protein change: p.Asp1729Ala; replaces aspartic acid 1729 with alanine.
Molecular consequence: missense variant.
Genome position (GRCh38, 1-based): chr8:132,941,495, A>C. VCF-style: chr8-132941495-A-C. GRCh37 (hg19) VCF-style: chr8-133953740-A-C.
Other names: short protein forms D1729A.
Identifiers: ClinVar variation 361971 (VCV000361971.13), dbSNP rs61744749, ClinGen allele CA4884388.
Genomic context (GRCh38, chr8:132,941,495, plus strand): 5'-TGTTCTCAGCCTCAGGAGCCAATCTAACCGATGCTCACCTCTTCTGTCTTCTTGCATGCG[A>C]CCGTGATCTGTGTTGCGATGGCTTCGTCCTCACACAGGTTCAAGGAGGTAATGTTGGCAG-3'
Protein context (NP_003226.4, residues 1719-1739): DAHLFCLLAC[Asp1729Ala]RDLCCDGFVL